The following is an entry in ClinVar:

NM_003334.4(UBA1):c.1617G>T (p.Met539Ile)

Gene: UBA1 (ubiquitin like modifier activating enzyme 1; plus strand). Cytogenetic location: Xp11.3.
Variant type: single nucleotide variant.
Coding change: c.1617G>T on transcript NM_003334.4 (MANE Select); coding-DNA position 1617, G replaced by T.
Protein change: p.Met539Ile; replaces methionine 539 with isoleucine.
Molecular consequence: missense variant.
Genome position (GRCh38, 1-based): chrX:47,205,989, G>T. VCF-style: chrX-47205989-G-T. GRCh37 (hg19) VCF-style: chrX-47065388-G-T.
Other names: c.1617G>T, p.Met539Ile (NM_153280.3); short protein forms M539I.
Identifiers: ClinVar variation 9780 (VCV000009780.8), dbSNP rs80356545, ClinGen allele CA340951.

ClinVar aggregate classification (germline): Uncertain significance. Review status: criteria provided, single submitter (1 of 4 stars). 3 submissions from 3 submitters: Uncertain significance (1). 2 of the submissions do not count toward it. Last evaluated 2022-09-28.

Conditions:
Infantile-onset X-linked spinal muscular atrophy. Also called: Spinal muscular atrophy, X-linked 2; AMC, DISTAL, X-LINKED; ARTHROGRYPOSIS, X-LINKED, TYPE I; SPINAL MUSCULAR ATROPHY, X-LINKED LETHAL INFANTILE; Spinal Muscular Atrophy, X-Linked Infantile. Identifiers: Orphanet 1145, MedGen C1844934, MONDO:0010532, OMIM 301830.

Submissions (3):

Labcorp Genetics (formerly Invitae), Labcorp
Classification: Uncertain significance for Infantile-onset X-linked spinal muscular atrophy. Last evaluated: 2022-09-28. Review status: criteria provided, single submitter. Criteria: Invitae Variant Classification Sherloc (09022015). Collection method: clinical testing. Allele origin: germline.
Comment: This sequence change replaces methionine, which is neutral and non-polar, with isoleucine, which is neutral and non-polar, at codon 539 of the UBA1 protein (p.Met539Ile). This variant is not present in population databases (gnomAD no frequency). This missense change has been observed in individual(s) with UBA1-related conditions (PMID: 18179898). ClinVar contains an entry for this variant (Variation ID: 9780). Algorithms developed to predict the effect of missense changes on protein structure and function (SIFT, PolyPhen-2, Align-GVGD) all suggest that this variant is likely to be tolerated. Experimental studies are conflicting or provide insufficient evidence to determine the effect of this variant on UBA1 function (PMID: 25075304, 29034082). In summary, the available evidence is currently insufficient to determine the role of this variant in disease. Therefore, it has been classified as a Variant of Uncertain Significance.

OMIM
Classification: Pathogenic for SPINAL MUSCULAR ATROPHY, X-LINKED 2. Last evaluated: 2008-01-01. Review status: no assertion criteria provided. Collection method: literature only. Allele origin: germline. Not counted in ClinVar's aggregate classification.

GeneReviews
No classification provided. Condition: Infantile-onset X-linked spinal muscular atrophy. Review status: no classification provided. Collection method: literature only. Allele origin: unknown. Not counted in ClinVar's aggregate classification.

Literature cited by the submitters: PubMed 18179898 (cited by 3 submitters); PubMed 25075304 (cited by Labcorp Genetics (formerly Invitae), Labcorp); PubMed 29034082 (cited by Labcorp Genetics (formerly Invitae), Labcorp); PubMed 20301739 (cited by GeneReviews); NCBI Bookshelf NBK2594 (cited by GeneReviews).